The following is an entry in ClinVar:

NM_001206927.2(DNAH8):c.8175C>A (p.Ser2725Arg)

Gene: DNAH8 (dynein axonemal heavy chain 8; plus strand). Cytogenetic location: 6p21.2.
Variant type: single nucleotide variant.
Coding change: c.8175C>A on transcript NM_001206927.2 (MANE Select); coding-DNA position 8175, C replaced by A.
Protein change: p.Ser2725Arg; replaces serine 2725 with arginine.
Molecular consequence: missense variant.
Genome position (GRCh38, 1-based): chr6:38,883,914, C>A. VCF-style: chr6-38883914-C-A. GRCh37 (hg19) VCF-style: chr6-38851690-C-A.
Other names: c.7524C>A, p.Ser2508Arg (NM_001371.4); c.8175C>A (NM_001206927.1); short protein forms S2725R, S2508R.
Identifiers: ClinVar variation 1416366 (VCV001416366.10), dbSNP rs1488192188, ClinGen allele CA363992182.

ClinVar aggregate classification (germline): Uncertain significance. Review status: criteria provided, multiple submitters, no conflicts (2 of 4 stars). 2 submissions from 2 submitters: Uncertain significance (2). Last evaluated 2025-08-04.

Conditions:
Primary ciliary dyskinesia. Also called: Ciliary dyskinesia. Identifiers: Orphanet 244, MedGen C0008780, MONDO:0016575, HP:0012265.

Submissions (2):

Ambry Genetics
Classification: Uncertain significance. Last evaluated: 2025-08-04. Review status: criteria provided, single submitter. Criteria: Ambry Variant Classification Scheme 2023. Collection method: clinical testing. Allele origin: germline.

Labcorp Genetics (formerly Invitae), Labcorp
Classification: Uncertain significance for Primary ciliary dyskinesia. Last evaluated: 2021-03-29. Review status: criteria provided, single submitter. Criteria: Invitae Variant Classification Sherloc (09022015). Collection method: clinical testing. Allele origin: germline.
Comment: Algorithms developed to predict the effect of missense changes on protein structure and function are either unavailable or do not agree on the potential impact of this missense change (SIFT: "Deleterious"; PolyPhen-2: "Not Available"; Align-GVGD: "Class C0"). This variant has not been reported in the literature in individuals with DNAH8-related conditions. This variant is not present in population databases (ExAC no frequency). This sequence change replaces serine with arginine at codon 2725 of the DNAH8 protein (p.Ser2725Arg). The serine residue is moderately conserved and there is a moderate physicochemical difference between serine and arginine. In summary, the available evidence is currently insufficient to determine the role of this variant in disease. Therefore, it has been classified as a Variant of Uncertain Significance.